The following is an entry in ClinVar:

NM_002941.4(ROBO1):c.4540A>G (p.Met1514Val)

Gene: ROBO1 (roundabout guidance receptor 1; minus strand). Cytogenetic location: 3p12.3.
Variant type: single nucleotide variant.
Coding change: c.4540A>G on transcript NM_002941.4 (MANE Select); coding-DNA position 4540, A replaced by G.
Protein change: p.Met1514Val; replaces methionine 1514 with valine.
Molecular consequence: missense variant.
Genome position (GRCh38, 1-based): chr3:78,606,937, T>C on the plus strand (A>G on the coding strand, the complement: ROBO1 is on the minus strand). VCF-style: chr3-78606937-T-C. GRCh37 (hg19) VCF-style: chr3-78656087-T-C.
Other names: c.4405A>G, p.Met1469Val (NM_001145844.1, NM_133631.4); c.4240A>G, p.Met1414Val (NM_001145845.2); short protein forms M1414V, M1514V, M1469V.
Identifiers: ClinVar variation 2874008 (VCV002874008.4), dbSNP rs776804009, ClinGen allele CA2498029.

ClinVar aggregate classification (germline): Uncertain significance. Review status: criteria provided, multiple submitters, no conflicts (2 of 4 stars). 2 submissions from 2 submitters: Uncertain significance (2). Last evaluated 2025-10-01.

Allele frequency attached by ClinVar (database versions not stated): ExAC 0.00001; gnomAD exomes 0.00001; TOPMed 0.00002; gnomAD 0.00004.

Submissions (2):

Greenwood Genetic Center Diagnostic Laboratories, Greenwood Genetic Center
Classification: Uncertain significance. Last evaluated: 2025-10-01. Review status: criteria provided, single submitter. Criteria: ACMG Guidelines, 2015. Collection method: clinical testing. Allele origin: germline. Affected: yes.
Comment: PM2, BP4

Labcorp Genetics (formerly Invitae), Labcorp
Classification: Uncertain significance. Last evaluated: 2023-11-03. Review status: criteria provided, single submitter. Criteria: Invitae Variant Classification Sherloc (09022015). Collection method: clinical testing. Allele origin: germline.
Comment: This sequence change replaces methionine, which is neutral and non-polar, with valine, which is neutral and non-polar, at codon 1514 of the ROBO1 protein (p.Met1514Val). This variant is present in population databases (rs776804009, gnomAD 0.008%). This variant has not been reported in the literature in individuals affected with ROBO1-related conditions. Advanced modeling of protein sequence and biophysical properties (such as structural, functional, and spatial information, amino acid conservation, physicochemical variation, residue mobility, and thermodynamic stability) performed at Invitae indicates that this missense variant is not expected to disrupt ROBO1 protein function with a negative predictive value of 95%. In summary, the available evidence is currently insufficient to determine the role of this variant in disease. Therefore, it has been classified as a Variant of Uncertain Significance.